The following is an entry in ClinVar:

NM_023083.4(CAPN10):c.905G>A (p.Trp302Ter)

Gene: CAPN10 (calpain 10; plus strand). Cytogenetic location: 2q37.3.
Variant type: single nucleotide variant.
Coding change: c.905G>A on transcript NM_023083.4 (MANE Select); coding-DNA position 905, G replaced by A.
Protein change: p.Trp302Ter; replaces tryptophan 302 with a stop codon.
Molecular consequence: nonsense.
Genome position (GRCh38, 1-based): chr2:240,594,617, G>A. VCF-style: chr2-240594617-G-A. GRCh37 (hg19) VCF-style: chr2-241534034-G-A.
Other names: c.905G>A, p.Trp302Ter (NM_023085.4); short protein forms W302*.
Identifiers: ClinVar variation 4533287 (VCV004533287.1).
Genomic context (GRCh38, chr2:240,594,617, plus strand): 5'-GCCAGGTAGATGCAGCGGTAGCATCTGAGCTCCTGTCCCAGCTCCAGGAAGGGGAGTTCT[G>A]GGTGGAGGAGGAGGAGTTCCTCAGGGAGTTTGACGAGCTCACCGTTGGCTACCCGGTCAC-3'

ClinVar aggregate classification (germline): Likely pathogenic (1 of 4 stars; one submission).

Conditions:
Diabetes mellitus, noninsulin-dependent, 1 (T2D1). Identifiers: MedGen C1832544, MONDO:0011027, OMIM 601283.

gnomAD v4.1: 1 of 1,614,028 alleles (0.000062%); highest among the groups gnomAD compares: Non-Finnish European, 0.000085%; no homozygotes.

Submission:

Diagnostics Services (NGS), CSIR - Centre For Cellular And Molecular Biology
Classification: Likely pathogenic for Diabetes mellitus, noninsulin-dependent, 1. Last evaluated: 2025-11-19. Review status: criteria provided, single submitter. Criteria: ACMG Guidelines, 2015. Collection method: clinical testing. Allele origin: germline. Affected: yes. Observed: 1 variant allele, 1 heterozygote.
Comment: The c.905G>A variant is not present in 1000 Genomes, EVS, gnomAD, Indian Exome Database and in our internal database. This variant has neither been published in the literature for CAPN10-related conditions nor reported to HGMD, OMIM, or ClinVar databases in any affected individuals. In-silico pathogenicity prediction programs like MutationTaster2, CADD, Varsome, Franklin, InterVar etc predicted this variant to be likely deleterious. This variant creates a premature translational stop signal at the 302nd amino acid position of the wild-type transcript that may either result in translation of a truncated protein or cause nonsense mediated decay of the mRNA.